The following is an entry in ClinVar:

NM_000179.3(MSH6):c.261-3C>G

Gene: MSH6 (mutS homolog 6; plus strand). Cytogenetic location: 2p16.3.
Variant type: single nucleotide variant.
Coding change: c.261-3C>G on transcript NM_000179.3 (MANE Select); 3 bases into the intron before coding-DNA position 261, C replaced by G.
Molecular consequence: intron variant.
Genome position (GRCh38, 1-based): chr2:47,790,924, C>G. VCF-style: chr2-47790924-C-G. GRCh37 (hg19) VCF-style: chr2-48018063-C-G.
Other names: c.-40C>G (NM_001406830.1); c.-476-3C>G (NM_001281493.2); c.237+7454C>G (NM_001281492.2); c.-642-3C>G (NM_001281494.2).
Identifiers: ClinVar variation 1793823 (VCV001793823.2), dbSNP rs2104097957, ClinGen allele CA2580066783.

ClinVar aggregate classification (germline): Uncertain significance (1 of 4 stars; one submission).

Conditions:
Hereditary cancer-predisposing syndrome. Also called: Tumor predisposition; Hereditary Cancer Syndrome; Neoplastic Syndromes, Hereditary; Hereditary neoplastic syndrome. Identifiers: Orphanet 140162, MedGen C0027672, MeSH D009386, MONDO:0015356.

Submission:

Ambry Genetics
Classification: Uncertain significance for Hereditary cancer-predisposing syndrome. Last evaluated: 2022-06-25. Review status: criteria provided, single submitter. Criteria: Ambry Variant Classification Scheme 2023. Collection method: clinical testing. Allele origin: germline.
Comment: The c.261-3C>G intronic variant results from a C to G substitution 3 nucleotides upstream from coding exon 2 in the MSH6 gene. This nucleotide position is well conserved in available vertebrate species. In silico splice site analysis predicts that this alteration will weaken the native splice acceptor site and will result in the creation or strengthening of a novel splice acceptor site; however, direct evidence is insufficient at this time (Ambry internal data). Since supporting evidence is limited at this time, the clinical significance of this alteration remains unclear.